The following is an entry in ClinVar:

NM_004360.5(CDH1):c.1585A>C (p.Thr529Pro)

Gene: CDH1 (cadherin 1; plus strand). Cytogenetic location: 16q22.1.
Variant type: single nucleotide variant.
Coding change: c.1585A>C on transcript NM_004360.5 (MANE Select); coding-DNA position 1585, A replaced by C.
Protein change: p.Thr529Pro; replaces threonine 529 with proline.
Molecular consequence: missense variant. On other transcripts: intron variant (1).
Genome position (GRCh38, 1-based): chr16:68,819,299, A>C. VCF-style: chr16-68819299-A-C. GRCh37 (hg19) VCF-style: chr16-68853202-A-C.
Other names: c.1585A>C (LRG_301t1); c.1402A>C, p.Thr468Pro (NM_001317184.2); c.37A>C, p.Thr13Pro (NM_001317185.2); c.-254-2702A>C (NM_001317186.2); short protein forms T529P, T13P, T468P.
Identifiers: ClinVar variation 186165 (VCV000186165.27), dbSNP rs776890776, ClinGen allele CA194038.

ClinVar aggregate classification (germline): Conflicting classifications of pathogenicity. Review status: criteria provided, conflicting classifications (1 of 4 stars). 8 submissions from 8 submitters: Uncertain significance (7); Benign (1). Last evaluated 2025-12-24.

Conditions:
Hereditary cancer-predisposing syndrome. Also called: Hereditary Cancer Syndrome; Neoplastic Syndromes, Hereditary; Tumor predisposition; Hereditary neoplastic syndrome. Identifiers: Orphanet 140162, MedGen C0027672, MeSH D009386, MONDO:0015356.
CDH1-related disorder. Also called: CDH1-related condition.
Hereditary diffuse gastric adenocarcinoma (HDGC). Also called: DIFFUSE GASTRIC AND LOBULAR BREAST CANCER SYNDROME. Identifiers: Orphanet 26106, MedGen C1708349, MONDO:0007648, OMIM 137215.

Allele frequency attached by ClinVar (database versions not stated): gnomAD 0.00002 and 0.00003; TOPMed 0.00007.
gnomAD v4.1: 4 of 1,614,114 alleles (0.00025%); highest among the groups gnomAD compares: African/African-American, 0.0053%; no homozygotes.

Submissions (8):

Labcorp Genetics (formerly Invitae), Labcorp
Classification: Uncertain significance for Hereditary diffuse gastric adenocarcinoma. Last evaluated: 2025-12-24. Review status: criteria provided, single submitter. Criteria: Invitae Variant Classification Sherloc (09022015). Collection method: clinical testing. Allele origin: germline.
Comment: This sequence change replaces threonine, which is neutral and polar, with proline, which is neutral and non-polar, at codon 529 of the CDH1 protein (p.Thr529Pro). This variant is present in population databases (rs776890776, gnomAD 0.02%). This missense change has been observed in individual(s) with unspecified cancer type (PMID: 28873162). ClinVar contains an entry for this variant (Variation ID: 186165). An algorithm developed to predict the effect of missense changes on protein structure and function outputs the following: PolyPhen-2: "Benign". The proline amino acid residue is found in multiple mammalian species, which suggests that this missense change does not adversely affect protein function. In summary, the available evidence is currently insufficient to determine the role of this variant in disease. Therefore, it has been classified as a Variant of Uncertain Significance.

Ambry Genetics
Classification: Benign for Hereditary cancer-predisposing syndrome. Last evaluated: 2024-07-11. Review status: criteria provided, single submitter. Criteria: Ambry Variant Classification Scheme 2023. Collection method: clinical testing. Allele origin: germline.

Quest Diagnostics Nichols Institute San Juan Capistrano
Classification: Uncertain significance. Last evaluated: 2023-10-03. Review status: criteria provided, single submitter. Criteria: Quest Diagnostics criteria. Collection method: clinical testing. Allele origin: unknown.

Color Diagnostics, LLC DBA Color Health
Classification: Uncertain significance for Hereditary cancer-predisposing syndrome. Last evaluated: 2023-10-02. Review status: criteria provided, single submitter. Criteria: ACMG Guidelines, 2015. Collection method: clinical testing. Allele origin: germline.
Comment: This missense variant replaces threonine with proline at codon 529 of the CDH1 protein. To our knowledge, functional studies have not been reported for this variant. This variant has been reported in a cohort of 1040 individuals affected with advanced cancer (PMID: 28873162). This variant has been identified in 4/282886 chromosomes in the general population by the Genome Aggregation Database (gnomAD). The available evidence is insufficient to determine the role of this variant in disease conclusively. Therefore, this variant is classified as a Variant of Uncertain Significance.

GeneDx
Classification: Uncertain significance. Last evaluated: 2023-07-18. Review status: criteria provided, single submitter. Criteria: GeneDx Variant Classification Process June 2021. Collection method: clinical testing. Allele origin: germline. Affected: yes.
Comment: Not observed at significant frequency in large population cohorts (gnomAD); In silico analysis supports that this missense variant does not alter protein structure/function; Observed in individuals with advanced cancer (Mandelker et al., 2017); This variant is associated with the following publications: (PMID: 28873162, 15235021, 22850631)

PreventionGenetics, part of Exact Sciences
Classification: Uncertain significance for CDH1-related condition. Last evaluated: 2023-04-27. Review status: criteria provided, single submitter. Criteria: ACMG Guidelines, 2015. Collection method: clinical testing. Allele origin: germline.
Comment: The CDH1 c.1585A>C variant is predicted to result in the amino acid substitution p.Thr529Pro. This variant has been reported in an individual with advanced cancer (eTable, Mandelker et al. 2017. PubMed ID: 28873162). This variant is reported in 4 of ~283,000 alleles in gnomAD. It is interpreted as uncertain in ClinVar. At this time, the clinical significance of this variant is uncertain due to the absence of conclusive functional and genetic evidence.

Sema4
Classification: Uncertain significance for Hereditary cancer-predisposing syndrome. Last evaluated: 2021-11-22. Review status: criteria provided, single submitter. Criteria: Sema4 Curation Guidelines. Collection method: curation. Allele origin: germline.
Comment: The CDH1 c.1585A>C (p.T529P) variant has been reported in at least one individual with an unspecified advanced cancer (PMID: 28873162). It was observed in 4/24972 chromosomes of the African/African American subpopulation in the large and broad cohorts of the Genome Aggregation Database (PMID: 32461654). The variant has been reported in ClinVar (Variation ID: 186165). Functional studies have not been performed, and in silico predictions of the variant's effect on protein function are inconclusive. The evidence is insufficient to meet ACMG/AMP criteria for classifying the variant as benign or pathogenic. Thus, the clinical significance of this variant is currently uncertain.

Breakthrough Genomics
Classification: Uncertain significance. Review status: criteria provided, single submitter. Criteria: ACMG Guidelines, 2015. Collection method: not provided. Allele origin: germline. Inheritance: Autosomal dominant inheritance. Affected: yes.

Literature cited by the submitters: PubMed 28873162 (cited by 5 submitters).